The following is an entry in ClinVar:

NM_014974.3(DIP2C):c.338C>T (p.Pro113Leu)

Gene: DIP2C (disco interacting protein 2 homolog C; minus strand). Cytogenetic location: 10p15.3.
Variant type: single nucleotide variant.
Coding change: c.338C>T on transcript NM_014974.3 (MANE Select); coding-DNA position 338, C replaced by T.
Protein change: p.Pro113Leu; replaces proline 113 with leucine.
Molecular consequence: missense variant.
Genome position (GRCh38, 1-based): chr10:440,927, G>A on the plus strand (C>T on the coding strand, the complement: DIP2C is on the minus strand). VCF-style: chr10-440927-G-A. GRCh37 (hg19) VCF-style: chr10-486867-G-A.
Other names: short protein forms P113L.
Identifiers: ClinVar variation 3369460 (VCV003369460.1).

ClinVar aggregate classification (germline): Uncertain significance (1 of 4 stars; one submission).

gnomAD v4.1: 1 of 1,613,898 alleles (0.000062%); highest among the groups gnomAD compares: Non-Finnish European, 0.000085%; no homozygotes.

Submission:

GeneDx
Classification: Uncertain significance. Last evaluated: 2024-04-23. Review status: criteria provided, single submitter. Criteria: GeneDx Variant Classification Process June 2021. Collection method: clinical testing. Allele origin: germline. Affected: yes.
Comment: Not observed at significant frequency in large population cohorts (gnomAD); In silico analysis supports that this missense variant has a deleterious effect on protein structure/function; Has not been previously published as pathogenic or benign to our knowledge